The following is an entry in ClinVar:

NM_001128840.3(CACNA1D):c.3932A>G (p.Asn1311Ser)

Gene: CACNA1D (calcium voltage-gated channel subunit alpha1 D; plus strand). Cytogenetic location: 3p21.1.
Variant type: single nucleotide variant.
Coding change: c.3932A>G on transcript NM_001128840.3 (MANE Select); coding-DNA position 3932, A replaced by G.
Protein change: p.Asn1311Ser; replaces asparagine 1311 with serine.
Molecular consequence: missense variant.
Genome position (GRCh38, 1-based): chr3:53,770,440, A>G. VCF-style: chr3-53770440-A-G. GRCh37 (hg19) VCF-style: chr3-53804467-A-G.
Other names: c.3992A>G, p.Asn1331Ser (NM_000720.4); c.3887A>G, p.Asn1296Ser (NM_001128839.3); short protein forms N1296S, N1311S, N1331S.
Identifiers: ClinVar variation 1436301 (VCV001436301.8), dbSNP rs375571185, ClinGen allele CA2454748.

ClinVar aggregate classification (germline): Uncertain significance (1 of 4 stars; one submission).

Allele frequency attached by ClinVar (database versions not stated): ExAC 0.00002; gnomAD 0.00002 and 0.00003; gnomAD exomes 0.00002 and 0.00003; TOPMed 0.00002; ESP Exome Variant Server 0.00008.
gnomAD v4.1: 53 of 1,613,940 alleles (0.0033%); highest among the groups gnomAD compares: African/African-American, 0.004%; no homozygotes.

Submission:

Labcorp Genetics (formerly Invitae), Labcorp
Classification: Uncertain significance. Last evaluated: 2025-08-26. Review status: criteria provided, single submitter. Criteria: Invitae Variant Classification Sherloc (09022015). Collection method: clinical testing. Allele origin: germline.
Comment: This sequence change replaces asparagine, which is neutral and polar, with serine, which is neutral and polar, at codon 1331 of the CACNA1D protein (p.Asn1331Ser). The frequency data for this variant in the population databases is considered unreliable, as metrics indicate poor data quality at this position in the gnomAD database. This variant has not been reported in the literature in individuals affected with CACNA1D-related conditions. ClinVar contains an entry for this variant (Variation ID: 1436301). Invitae Evidence Modeling of protein sequence and biophysical properties (such as structural, functional, and spatial information, amino acid conservation, physicochemical variation, residue mobility, and thermodynamic stability) indicates that this missense variant is not expected to disrupt CACNA1D protein function with a negative predictive value of 80%. In summary, the available evidence is currently insufficient to determine the role of this variant in disease. Therefore, it has been classified as a Variant of Uncertain Significance.